The following is an entry in ClinVar:

NM_001286.5(CLCN6):c.2404G>A (p.Asp802Asn)

Gene: CLCN6 (chloride voltage-gated channel 6; plus strand). Cytogenetic location: 1p36.22.
Variant type: single nucleotide variant.
Coding change: c.2404G>A on transcript NM_001286.5 (MANE Select); coding-DNA position 2404, G replaced by A.
Protein change: p.Asp802Asn; replaces aspartic acid 802 with asparagine.
Molecular consequence: missense variant. On other transcripts: non-coding transcript variant (1).
Genome position (GRCh38, 1-based): chr1:11,838,535, G>A. VCF-style: chr1-11838535-G-A. GRCh37 (hg19) VCF-style: chr1-11898592-G-A.
Other names: c.2338G>A, p.Asp780Asn (NM_001256959.2); short protein forms D780N, D802N.
Identifiers: ClinVar variation 4721436 (VCV004721436.1).

ClinVar aggregate classification (germline): Uncertain significance (1 of 4 stars; one submission).

gnomAD v4.1: 1 of 1,607,492 alleles (0.000062%); highest among the groups gnomAD compares: African/African-American, 0.0013%; no homozygotes.

Submission:

Labcorp Genetics (formerly Invitae), Labcorp
Classification: Uncertain significance. Last evaluated: 2025-07-18. Review status: criteria provided, single submitter. Criteria: Invitae Variant Classification Sherloc (09022015). Collection method: clinical testing. Allele origin: germline.
Comment: This sequence change replaces aspartic acid, which is acidic and polar, with asparagine, which is neutral and polar, at codon 802 of the CLCN6 protein (p.Asp802Asn). This variant is present in population databases (rs759127567, gnomAD 0.007%). This variant has not been reported in the literature in individuals affected with CLCN6-related conditions. An algorithm developed to predict the effect of missense changes on protein structure and function (PolyPhen-2) suggests that this variant is likely to be tolerated. In summary, the available evidence is currently insufficient to determine the role of this variant in disease. Therefore, it has been classified as a Variant of Uncertain Significance.